The following is an entry in ClinVar:

ClinVar aggregate classification (germline): Likely benign (1 of 4 stars; one submission).

Submission:

CeGaT Center for Human Genetics Tuebingen
Classification: Likely benign. Last evaluated: 2026-09-01. Review status: criteria provided, single submitter. Criteria: CeGaT Center For Human Genetics Tuebingen Variant Classification Criteria Version 2. Collection method: clinical testing. Allele origin: germline. Affected: yes. Observed: 8 variant alleles.
Comment: HELLPAR: BS2; IGF1: BS2

NM_000618.5(IGF1):c.*263del

Genes: IGF1 (insulin like growth factor 1; minus strand), LINC02456 (long independently transcribed non-coding RNA 2456; plus strand). Cytogenetic location: 12q23.2.
Variant type: Deletion.
Coding change: c.*263del on transcript NM_000618.5 (MANE Select); 263 bases downstream of the stop codon, one base deleted (T; older notation c.*263delT).
Molecular consequence: 3 prime UTR variant.
Genome position (GRCh38, 1-based): chr12:102,402,244, A deleted on the plus strand (T on the coding strand, the reverse complement: IGF1 is on the minus strand). VCF-style (leftmost placement, unchanged base first): chr12-102402243-TA-T. GRCh37 (hg19) VCF-style: chr12-102796021-TA-T.
Other names: c.*297del (NM_001111283.3); c.*263del (NM_001111284.2, NM_001414007.1).
Identifiers: ClinVar variation 3904985 (VCV003904985.10).
Genomic context (GRCh38, chr12:102,402,243, plus strand): 5'-ATACAACACCCATGCATTTGTGGCTCTTGAGAGGCAGGGACTAAGATATATATATATATA[TA>T]TTTTTTTTTTCTTTTCTATAGAACATTATTGATAAAAGATCAACAGCAATCTACCAACTC-3'